The following is an entry in ClinVar:

NM_001145809.2(MYH14):c.3609C>T (p.Gly1203=)

Gene: MYH14 (myosin heavy chain 14; plus strand). Cytogenetic location: 19q13.33.
Variant type: single nucleotide variant.
Coding change: c.3609C>T on transcript NM_001145809.2 (MANE Select); coding-DNA position 3609, C replaced by T.
Protein change: p.Gly1203=; no amino-acid change (glycine 1203 retained).
Molecular consequence: synonymous variant.
Genome position (GRCh38, 1-based): chr19:50,276,132, C>T. VCF-style: chr19-50276132-C-T. GRCh37 (hg19) VCF-style: chr19-50779389-C-T.
Other names: c.3609C>T (NM_001145809.1); c.3510C>T, p.Gly1170= (NM_001077186.2); c.3486C>T, p.Gly1162= (NM_024729.4).
Identifiers: ClinVar variation 2997571 (VCV002997571.4), dbSNP rs200188959, ClinGen allele CA9593267.

ClinVar aggregate classification (germline): Likely benign. Review status: criteria provided, single submitter (1 of 4 stars). 2 submissions from 2 submitters: Likely benign (1). 1 of the submissions does not count toward it. Last evaluated 2025-06-14.

Conditions:
MYH14-related disorder. Also called: MYH14-related condition.

Allele frequency attached by ClinVar (database versions not stated): TOPMed 0.00021; ESP Exome Variant Server 0.00008; ExAC 0.00019; gnomAD 0.00027; gnomAD exomes 0.00005; 1000 Genomes Project 0.00020; 1000 Genomes Project 30x 0.00031.
gnomAD v4.1: 117 of 1,589,930 alleles (0.0074%); highest among the groups gnomAD compares: African/African-American, 0.082%; 3 homozygotes.

Submissions (2):

Labcorp Genetics (formerly Invitae), Labcorp
Classification: Likely benign. Last evaluated: 2025-06-14. Review status: criteria provided, single submitter. Criteria: Invitae Variant Classification Sherloc (09022015). Collection method: clinical testing. Allele origin: germline.

PreventionGenetics, part of Exact Sciences
Classification: Likely benign for MYH14-related condition. Last evaluated: 2024-05-08. Review status: no assertion criteria provided. Collection method: clinical testing. Allele origin: germline. Not counted in ClinVar's aggregate classification.
Comment: This variant is classified as likely benign based on ACMG/AMP sequence variant interpretation guidelines (Richards et al. 2015 PMID: 25741868, with internal and published modifications).